The following is an entry in ClinVar:

NM_001170629.2(CHD8):c.5140A>G (p.Met1714Val)

Gene: CHD8 (chromodomain helicase DNA binding protein 8; minus strand). Cytogenetic location: 14q11.2.
Variant type: single nucleotide variant.
Coding change: c.5140A>G on transcript NM_001170629.2 (MANE Select); coding-DNA position 5140, A replaced by G.
Protein change: p.Met1714Val; replaces methionine 1714 with valine.
Molecular consequence: missense variant.
Genome position (GRCh38, 1-based): chr14:21,395,340, T>C on the plus strand (A>G on the coding strand, the complement: CHD8 is on the minus strand). VCF-style: chr14-21395340-T-C. GRCh37 (hg19) VCF-style: chr14-21863499-T-C.
Other names: c.4303A>G, p.Met1435Val (NM_020920.4); short protein forms M1435V, M1714V.
Identifiers: ClinVar variation 1691652 (VCV001691652.4), dbSNP rs989066537, ClinGen allele CA257594896.

ClinVar aggregate classification (germline): Uncertain significance. Review status: criteria provided, multiple submitters, no conflicts (2 of 4 stars). 2 submissions from 2 submitters: Uncertain significance (2). Last evaluated 2025-10-02.

Conditions:
Inborn genetic diseases. Identifiers: MedGen C0950123, MeSH D030342.

Allele frequency attached by ClinVar (database versions not stated): gnomAD exomes 0.00001.

Submissions (2):

Ambry Genetics
Classification: Uncertain significance for Inborn genetic diseases. Last evaluated: 2025-10-02. Review status: criteria provided, single submitter. Criteria: Ambry Variant Classification Scheme 2023. Collection method: clinical testing. Allele origin: germline.

GeneDx
Classification: Uncertain significance. Last evaluated: 2022-05-26. Review status: criteria provided, single submitter. Criteria: GeneDx Variant Classification Process June 2021. Collection method: clinical testing. Allele origin: germline. Affected: yes.
Comment: Not observed at significant frequency in large population cohorts (gnomAD); In silico analysis supports that this missense variant does not alter protein structure/function; Has not been previously published as pathogenic or benign to our knowledge